The following is an entry in ClinVar:

ClinVar aggregate classification (germline): Pathogenic (1 of 4 stars; one submission).

Conditions:
Marfan syndrome (MFS). Also called: MARFAN SYNDROME, TYPE I; Marfan syndrome type 1; Marfan's syndrome; Marfan syndrome, classic; FBN1-Related Marfan Syndrome. Identifiers: Orphanet 284963, Orphanet 558, MedGen C0024796, MONDO:0007947, OMIM 154700.
Familial thoracic aortic aneurysm and aortic dissection (TAAD). Also called: Thoracic aortic aneurysms and dissections. Identifiers: Orphanet 91387, MedGen C4707243, MONDO:0019625.

Submission:

Labcorp Genetics (formerly Invitae), Labcorp
Classification: Pathogenic for Marfan syndrome; Familial thoracic aortic aneurysm and aortic dissection. Last evaluated: 2024-05-10. Review status: criteria provided, single submitter. Criteria: Invitae Variant Classification Sherloc (09022015). Collection method: clinical testing. Allele origin: germline.
Comment: This sequence change creates a premature translational stop signal (p.Gln2744*) in the FBN1 gene. While this is not anticipated to result in nonsense mediated decay, it is expected to disrupt the last 128 amino acid(s) of the FBN1 protein. This variant is not present in population databases (gnomAD no frequency). This variant has not been reported in the literature in individuals affected with FBN1-related conditions. This variant disrupts a region of the FBN1 protein in which other variant(s) (p.Met2864Lys) have been determined to be pathogenic (Invitae). This suggests that this is a clinically significant region of the protein, and that variants that disrupt it are likely to be disease-causing. For these reasons, this variant has been classified as Pathogenic.

NM_000138.5(FBN1):c.8230C>T (p.Gln2744Ter)

Gene: FBN1 (fibrillin 1; minus strand). Cytogenetic location: 15q21.1.
Variant type: single nucleotide variant.
Coding change: c.8230C>T on transcript NM_000138.5 (MANE Select); coding-DNA position 8230, C replaced by T.
Protein change: p.Gln2744Ter; replaces glutamine 2744 with a stop codon.
Molecular consequence: nonsense.
Genome position (GRCh38, 1-based): chr15:48,411,376, G>A on the plus strand (C>T on the coding strand, the complement: FBN1 is on the minus strand). VCF-style: chr15-48411376-G-A. GRCh37 (hg19) VCF-style: chr15-48703573-G-A.
Other names: c.8230C>T, p.Gln2744Ter (NM_001406716.1); short protein forms Q2744*.
Identifiers: ClinVar variation 3751375 (VCV003751375.2).
Genomic context (GRCh38, chr15:48,411,376, plus strand): 5'-AGATGGCTGTCTTCTCAACATCCCAACTTGCAAGACTCACATTGGCTTCTGTCTCAGACT[G>A]ATCCTGGAAAGACACATGGCAATATGTTAAATACAATGTACATATGCCACTTAGCTCTCA-3'